The following is an entry in ClinVar:

ClinVar aggregate classification (germline): Uncertain significance (1 of 4 stars; one submission).

Conditions:
POLD1-related polyposis and colorectal cancer syndrome (CRCS10). Also called: Colorectal cancer 10; COLORECTAL CANCER, SUSCEPTIBILITY TO, ON CHROMOSOME 19q; Colorectal cancer, susceptibility to, 10. Identifiers: Orphanet 220460, MedGen C2675481, MONDO:0012953, OMIM 612591.

Submission:

Labcorp Genetics (formerly Invitae), Labcorp
Classification: Uncertain significance for POLD1-related polyposis and colorectal cancer syndrome. Last evaluated: 2023-03-18. Review status: criteria provided, single submitter. Criteria: Invitae Variant Classification Sherloc (09022015). Collection method: clinical testing. Allele origin: germline.
Comment: In summary, the available evidence is currently insufficient to determine the role of this variant in disease. Therefore, it has been classified as a Variant of Uncertain Significance. Experimental studies and prediction algorithms are not available or were not evaluated, and the functional significance of this variant is currently unknown. This variant, c.2266_2271del, results in the deletion of 2 amino acid(s) of the POLD1 protein (p.Thr756_Asp757del), but otherwise preserves the integrity of the reading frame. This variant is not present in population databases (gnomAD no frequency). This variant has not been reported in the literature in individuals affected with POLD1-related conditions.

NM_002691.4(POLD1):c.2266_2271del (p.Thr756_Asp757del)

Gene: POLD1 (DNA polymerase delta 1, catalytic subunit; plus strand). Cytogenetic location: 19q13.33.
Variant type: Deletion.
Coding change: c.2266_2271del on transcript NM_002691.4 (MANE Select); coding-DNA positions 2266 to 2271, 6 bases deleted (ACTGAC; older notation c.2266_2271delACTGAC).
Protein change: p.Thr756_Asp757del.
Molecular consequence: inframe deletion. On other transcripts: non-coding transcript variant (1).
Genome position (GRCh38, 1-based): chr19:50,413,757-50,413,762, ACTGAC deleted; deleting any 6 consecutive bases within chr19:50,413,753-50,413,762 gives the same sequence; the c. name uses the placement nearest the transcript's 3' end. VCF-style (leftmost placement, unchanged base first): chr19-50413752-GTGACAC-G. GRCh37 (hg19) VCF-style: chr19-50917009-GTGACAC-G.
Other names: c.2266_2271del, p.Thr756_Asp757del (NM_001256849.1); c.2344_2349del, p.Thr782_Asp783del (NM_001308632.1).
Identifiers: ClinVar variation 2846955 (VCV002846955.3), dbSNP rs2514039318, ClinGen allele CA2739276970.